The following is an entry in ClinVar:

ClinVar aggregate classification (germline): Likely pathogenic. Review status: reviewed by expert panel (3 of 4 stars). 3 submissions from 3 submitters: Likely pathogenic (1). 2 of the submissions do not count toward it. Last evaluated 2024-08-27.

Conditions:
Alpha-actinopathy. Also called: Actinopathy. Identifiers: MedGen CN295279, MONDO:0100084.
Actin accumulation myopathy (CMYO2A). Also called: CONGENITAL MYOPATHY 2A, TYPICAL, AUTOSOMAL DOMINANT; Myopathy, actin, congenital, with cores; Nemaline myopathy 3, with intranuclear rods; Nemaline myopathy type 3; Myopathy, actin, congenital, with excess of thin myofilaments. Identifiers: Orphanet 98904, MedGen C3711389, MONDO:0008070, OMIM 161800.

Submissions (3):

ClinGen Congenital Myopathies Variant Curation Expert Panel, ClinGen
Classification: Likely pathogenic for Alpha-actinopathy. Last evaluated: 2024-08-27. Review status: reviewed by expert panel. Criteria: ClinGen CongenMyopathy ACMG Specifications ACTA1_AD_ V2.0.0. Collection method: curation. Allele origin: germline. Inheritance: Autosomal dominant inheritance.
Comment: The variant NM_001100.4:c.1043T>A in ACTA1 is a missense variant predicted to cause substitution of leucine by glutamine at amino acid 348 (p.Leu348Gln). The variant is absent from gnomAD v4.1.0 with adequate coverage (PM2_Supporting). The REVEL computational prediction analysis tool gives a score of 0.976, which is above the threshold necessary to apply PP3. In addition, ACTA1, in which the variant was identified, is defined by the ClinGen Congenital Myopathies VCEP as a gene that has a low rate of benign missense variation and where pathogenic missense variants are a common mechanism of disease (PP2). This variant has been reported in two probands with congenital myopathy (PS4_Supporting, PMID:25747004, SCV002280810.3). The one proband had hypotonia at birth, end stage limb-girdle dystrophy with diffuse proximal and distal weakness and wasting, and weak axial muscles. Muscle biopsy of this proband showed nemaline rods and electron microscopy showed few zebra bodies and accumulation of actin-like thin filaments (PP4_Moderate, PMID:25747004). In summary, the variant meets the criteria to be classified as likely pathogenic for autosomal dominant alpha-actinopathy. ACMG/AMP criteria met, as specified by the ClinGen Congenital Myopathies VCEP: PP4_Moderate, PS4_Supporting, PP2, PP3, PM2_Supporting (ClinGen Congenital Myopathies VCEP specifications version 2; 08/27/2024).

Labcorp Genetics (formerly Invitae), Labcorp
Classification: Likely pathogenic for Actin accumulation myopathy. Last evaluated: 2022-06-04. Review status: criteria provided, single submitter. Criteria: Invitae Variant Classification Sherloc (09022015). Collection method: clinical testing. Allele origin: germline. Not counted in ClinVar's aggregate classification.
Comment: Algorithms developed to predict the effect of sequence changes on RNA splicing suggest that this variant may create or strengthen a splice site. This sequence change replaces leucine, which is neutral and non-polar, with glutamine, which is neutral and polar, at codon 348 of the ACTA1 protein (p.Leu348Gln). This variant is not present in population databases (gnomAD no frequency). This missense change has been observed in individuals with clinical features of autosomal dominant ACTA1-related conditions (PMID: 25747004; Invitae). ClinVar contains an entry for this variant (Variation ID: 1303122). Advanced modeling of protein sequence and biophysical properties (such as structural, functional, and spatial information, amino acid conservation, physicochemical variation, residue mobility, and thermodynamic stability) performed at Invitae indicates that this missense variant is expected to disrupt ACTA1 protein function. In summary, the currently available evidence indicates that the variant is pathogenic, but additional data are needed to prove that conclusively. Therefore, this variant has been classified as Likely Pathogenic.

GeneDx
Classification: Uncertain significance. Last evaluated: 2020-11-16. Review status: criteria provided, single submitter. Criteria: GeneDx Variant Classification Process June 2021. Collection method: clinical testing. Allele origin: germline. Affected: yes. Not counted in ClinVar's aggregate classification.
Comment: Previously reported in an individual with myopathy and eletron microscopy of muscle fiber revealing nemaline rods, actin-like filaments, autophagic vacuoles, and zebra bodies (Sewry et al., 2015); Missense variants in this gene are often considered pathogenic (Stenson et al., 2014); Not observed in large population cohorts (Lek et al., 2016); In silico analysis supports that this missense variant has a deleterious effect on protein structure/function; This variant is associated with the following publications: (PMID: 25747004)

Literature cited by the submitters: PubMed 25747004 (cited by Labcorp Genetics (formerly Invitae), Labcorp).

NM_001100.4(ACTA1):c.1043T>A (p.Leu348Gln)

Gene: ACTA1 (actin alpha 1, skeletal muscle; minus strand). Cytogenetic location: 1q42.13.
Variant type: single nucleotide variant.
Coding change: c.1043T>A on transcript NM_001100.4 (MANE Select); coding-DNA position 1043, T replaced by A.
Protein change: p.Leu348Gln; replaces leucine 348 with glutamine.
Molecular consequence: missense variant.
Genome position (GRCh38, 1-based): chr1:229,431,590, A>T on the plus strand (T>A on the coding strand, the complement: ACTA1 is on the minus strand). VCF-style: chr1-229431590-A-T. GRCh37 (hg19) VCF-style: chr1-229567337-A-T.
Other names: NM_001100.4(ACTA1):c.1043T>A; p.Leu348Gln; short protein forms L348Q.
Identifiers: ClinVar variation 1303122 (VCV001303122.8), dbSNP rs2102735038, ClinGen allele CA345144656.